The following is an entry in ClinVar:

NM_001145715.3(KPNA7):c.53G>C (p.Gly18Ala)

Gene: KPNA7 (karyopherin subunit alpha 7; minus strand). Cytogenetic location: 7q22.1.
Variant type: single nucleotide variant.
Coding change: c.53G>C on transcript NM_001145715.3 (MANE Select); coding-DNA position 53, G replaced by C.
Protein change: p.Gly18Ala; replaces glycine 18 with alanine.
Molecular consequence: missense variant.
Genome position (GRCh38, 1-based): chr7:99,207,414, C>G on the plus strand (G>C on the coding strand, the complement: KPNA7 is on the minus strand). VCF-style: chr7-99207414-C-G. GRCh37 (hg19) VCF-style: chr7-98805037-C-G.
Other names: short protein forms G18A.
Identifiers: ClinVar variation 2129535 (VCV002129535.4), dbSNP rs2535623032, ClinGen allele CA368421429.

ClinVar aggregate classification (germline): Uncertain significance (1 of 4 stars; one submission).

Submission:

Labcorp Genetics (formerly Invitae), Labcorp
Classification: Uncertain significance. Last evaluated: 2022-05-06. Review status: criteria provided, single submitter. Criteria: Invitae Variant Classification Sherloc (09022015). Collection method: clinical testing. Allele origin: germline.
Comment: This variant is not present in population databases (gnomAD no frequency). This sequence change replaces glycine, which is neutral and non-polar, with alanine, which is neutral and non-polar, at codon 18 of the KPNA7 protein (p.Gly18Ala). This variant has not been reported in the literature in individuals affected with KPNA7-related conditions. Algorithms developed to predict the effect of missense changes on protein structure and function are either unavailable or do not agree on the potential impact of this missense change (SIFT: "Tolerated"; PolyPhen-2: "Probably Damaging"; Align-GVGD: "Class C0"). In summary, the available evidence is currently insufficient to determine the role of this variant in disease. Therefore, it has been classified as a Variant of Uncertain Significance.